The following is an entry in ClinVar:

NM_001040108.2(MLH3):c.1598C>T (p.Thr533Ile)

Gene: MLH3 (mutL homolog 3; minus strand). Cytogenetic location: 14q24.3.
Variant type: single nucleotide variant.
Coding change: c.1598C>T on transcript NM_001040108.2 (MANE Select); coding-DNA position 1598, C replaced by T.
Protein change: p.Thr533Ile; replaces threonine 533 with isoleucine.
Molecular consequence: missense variant.
Genome position (GRCh38, 1-based): chr14:75,048,058, G>A on the plus strand (C>T on the coding strand, the complement: MLH3 is on the minus strand). VCF-style: chr14-75048058-G-A. GRCh37 (hg19) VCF-style: chr14-75514761-G-A.
Other names: c.1598C>T, p.Thr533Ile (NM_014381.3); short protein forms T533I.
Identifiers: ClinVar variation 3396685 (VCV003396685.1).

ClinVar aggregate classification (germline): Uncertain significance (1 of 4 stars; one submission).

gnomAD v4.1: 1 of 1,614,054 alleles (0.000062%); highest among the groups gnomAD compares: Non-Finnish European, 0.000085%; no homozygotes.

Submission:

Ambry Genetics
Classification: Uncertain significance. Last evaluated: 2024-08-11. Review status: criteria provided, single submitter. Criteria: Ambry Variant Classification Scheme 2023. Collection method: clinical testing. Allele origin: germline.
Comment: The p.T533I variant (also known as c.1598C>T), located in coding exon 1 of the MLH3 gene, results from a C to T substitution at nucleotide position 1598. The threonine at codon 533 is replaced by isoleucine, an amino acid with similar properties. This amino acid position is conserved. In addition, this alteration is predicted to be tolerated by in silico analysis. Based on the available evidence, the clinical significance of this variant remains unclear.